The following is an entry in ClinVar:

NM_001256789.3(CACNA1F):c.5205A>C (p.Gln1735His)

Gene: CACNA1F (calcium voltage-gated channel subunit alpha1 F; minus strand). Cytogenetic location: Xp11.23.
Variant type: single nucleotide variant.
Coding change: c.5205A>C on transcript NM_001256789.3 (MANE Select); coding-DNA position 5205, A replaced by C.
Protein change: p.Gln1735His; replaces glutamine 1735 with histidine.
Molecular consequence: missense variant.
Genome position (GRCh38, 1-based): chrX:49,207,031, T>G on the plus strand (A>C on the coding strand, the complement: CACNA1F is on the minus strand). VCF-style: chrX-49207031-T-G. GRCh37 (hg19) VCF-style: chrX-49063492-T-G.
Other names: c.5238A>C (NM_005183.2); c.5043A>C, p.Gln1681His (NM_001256790.3); c.5238A>C, p.Gln1746His (NM_005183.4); short protein forms Q1746H, Q1681H, Q1735H.
Identifiers: ClinVar variation 960675 (VCV000960675.10), dbSNP rs1557105078, ClinGen allele CA412958635.

ClinVar aggregate classification (germline): Uncertain significance. Review status: criteria provided, multiple submitters, no conflicts (2 of 4 stars). 2 submissions from 2 submitters: Uncertain significance (2). Last evaluated 2026-03-08.

Allele frequency attached by ClinVar (database versions not stated): TOPMed below 0.00001; gnomAD exomes 0.00001.
gnomAD v4.1: 4 of 1,200,867 alleles (0.00033%); highest among the groups gnomAD compares: Non-Finnish European, 0.00045%; no homozygotes.

Submissions (2):

GeneDx
Classification: Uncertain significance. Last evaluated: 2026-03-08. Review status: criteria provided, single submitter. Criteria: GeneDx Variant Classification Process June 2021. Collection method: clinical testing. Allele origin: germline.
Comment: Not observed at significant frequency in large population cohorts (gnomAD); In silico analysis suggests that this missense variant does not alter protein structure/function; Has not been previously published as pathogenic or benign to our knowledge

Labcorp Genetics (formerly Invitae), Labcorp
Classification: Uncertain significance. Last evaluated: 2022-09-06. Review status: criteria provided, single submitter. Criteria: Invitae Variant Classification Sherloc (09022015). Collection method: clinical testing. Allele origin: germline.
Comment: In summary, the available evidence is currently insufficient to determine the role of this variant in disease. Therefore, it has been classified as a Variant of Uncertain Significance. Algorithms developed to predict the effect of missense changes on protein structure and function are either unavailable or do not agree on the potential impact of this missense change (SIFT: "Deleterious"; PolyPhen-2: "Benign"; Align-GVGD: "Class C0"). ClinVar contains an entry for this variant (Variation ID: 960675). This sequence change replaces glutamine, which is neutral and polar, with histidine, which is basic and polar, at codon 1746 of the CACNA1F protein (p.Gln1746His). This variant is present in population databases (no rsID available, gnomAD 0.001%). This variant has not been reported in the literature in individuals affected with CACNA1F-related conditions.